The following is an entry in ClinVar:

ClinVar aggregate classification (germline): Uncertain significance (1 of 4 stars; one submission).

Conditions:
Inborn genetic diseases. Identifiers: MedGen C0950123, MeSH D030342.

Allele frequency attached by ClinVar (database versions not stated): gnomAD exomes below 0.00001.
gnomAD v4.1: 1 of 1,614,098 alleles (0.000062%); highest among the groups gnomAD compares: Non-Finnish European, 0.000085%; no homozygotes.

Submission:

Ambry Genetics
Classification: Uncertain significance for Inborn genetic diseases. Last evaluated: 2019-09-28. Review status: criteria provided, single submitter. Criteria: Ambry Variant Classification Scheme 2023. Collection method: clinical testing. Allele origin: germline.
Comment: The p.I130V variant (also known as c.388A>G), located in coding exon 3 of the BSCL2 gene, results from an A to G substitution at nucleotide position 388. The isoleucine at codon 130 is replaced by valine, an amino acid with highly similar properties. This amino acid position is not well conserved in available vertebrate species. In addition, this alteration is predicted to be tolerated by in silico analysis. Since supporting evidence is limited at this time, the clinical significance of this alteration remains unclear.

NM_001122955.4(BSCL2):c.580A>G (p.Ile194Val)

Genes: BSCL2 (BSCL2 lipid droplet biogenesis associated, seipin; minus strand), HNRNPUL2-BSCL2 (HNRNPUL2-BSCL2 readthrough (NMD candidate); minus strand). Cytogenetic location: 11q12.3.
Variant type: single nucleotide variant.
Coding change: c.580A>G on transcript NM_001122955.4 (MANE Select); coding-DNA position 580, A replaced by G.
Protein change: p.Ile194Val; replaces isoleucine 194 with valine.
Molecular consequence: missense variant. On other transcripts: non-coding transcript variant (1).
Genome position (GRCh38, 1-based): chr11:62,694,618, T>C on the plus strand (A>G on the coding strand, the complement: BSCL2 is on the minus strand). VCF-style: chr11-62694618-T-C. GRCh37 (hg19) VCF-style: chr11-62462090-T-C.
Other names: c.388A>G, p.Ile130Val (NM_001130702.2, NM_032667.6); c.580A>G, p.Ile194Val (NM_001386027.1, NM_001386028.1); short protein forms I130V, I194V.
Identifiers: ClinVar variation 1735869 (VCV001735869.2), dbSNP rs2539154680, ClinGen allele CA380965605.